The following is an entry in ClinVar:

NM_000441.2(SLC26A4):c.281C>T (p.Thr94Ile)

Gene: SLC26A4 (solute carrier family 26 member 4; plus strand). Cytogenetic location: 7q22.3.
Variant type: single nucleotide variant.
Coding change: c.281C>T on transcript NM_000441.2 (MANE Select); coding-DNA position 281, C replaced by T.
Protein change: p.Thr94Ile; replaces threonine 94 with isoleucine.
Molecular consequence: missense variant.
Genome position (GRCh38, 1-based): chr7:107,663,412, C>T. VCF-style: chr7-107663412-C-T. GRCh37 (hg19) VCF-style: chr7-107303857-C-T.
Other names: short protein forms T94I.
Identifiers: ClinVar variation 371034 (VCV000371034.14), dbSNP rs1057516953, ClinGen allele CA16041101.
Genomic context (GRCh38, chr7:107,663,412, plus strand): 5'-GGCTCCCCAAATACCGAGTCAAGGAATGGCTGCTTAGTGACGTCATTTCGGGAGTTAGTA[C>T]TGGGCTAGTGGCCACGCTGCAAGGTAAGATGTTGGCAGATTGAGAGTTCTGGTCTCCAGC-3'
Protein context (NP_000432.1, residues 84-104): LLSDVISGVS[Thr94Ile]GLVATLQGMA

ClinVar aggregate classification (germline): Pathogenic. Review status: criteria provided, multiple submitters, no conflicts (2 of 4 stars). 6 submissions from 6 submitters: Pathogenic (4). 2 of the submissions do not count toward it. Last evaluated 2025-12-31.

Conditions:
Pendred syndrome (PDS). Also called: HYPOTHYROIDISM, CONGENITAL, DUE TO DYSHORMONOGENESIS, 2B; Pendred's syndrome; THYROID DYSHORMONOGENESIS 2B; THYROID HORMONOGENESIS, GENETIC DEFECT IN, 2B; Pendred Syndrome (PDS); DEAFNESS WITH GOITER. Identifiers: Orphanet 705, MedGen C0271829, MONDO:0010134, OMIM 274600.
Autosomal recessive nonsyndromic hearing loss 4 (DFNB4). Also called: DEAFNESS, AUTOSOMAL RECESSIVE 4, WITH ENLARGED VESTIBULAR AQUEDUCT, DIGENIC; Deafness, autosomal recessive 4; Enlarged vestibular aqueduct, digenic; FOXI1-Related Pendred Syndrome; KCNJ10-Related Pendred Syndrome; Deafness, autosomal recessive 4, with enlarged vestibular aqueduct. Identifiers: Orphanet 90636, MedGen C3538946, MONDO:0010933, OMIM 600791.

Allele frequency attached by ClinVar (database versions not stated): gnomAD exomes below 0.00001.
gnomAD v4.1: 4 of 1,614,086 alleles (0.00025%); highest among the groups gnomAD compares: East Asian, 0.0045%; no homozygotes.

Submissions (6):

Natera, Inc.
Classification: Pathogenic for Pendred syndrome. Last evaluated: 2025-12-31. Review status: criteria provided, single submitter. Criteria: Natera Variant Classification Schema (03/2026). Collection method: clinical testing. Allele origin: germline.
Comment: The c.281C>T variant in SLC26A4 is a missense variant predicted to cause substitution of threonine to isoleucine at amino acid 94. This variant is rare in the general population with a frequency below the threshold expected for the associated phenotype(s). This variant has been observed in one or more individuals affected with the associated recessive disease, as either homozygous or compound heterozygous with a second variant (PMID: 27792752, 32447495, 23385134, 31541171, 24599119). Computational prediction algorithms indicate this variant is likely to affect gene or protein function. Given the available evidence, this variant is classified as Pathogenic.

Baylor Genetics
Classification: Pathogenic for Autosomal recessive nonsyndromic hearing loss 4. Last evaluated: 2024-03-20. Review status: criteria provided, single submitter. Criteria: ACMG Guidelines, 2015. Collection method: clinical testing. Allele origin: unknown.

GeneDx
Classification: Pathogenic. Last evaluated: 2023-06-30. Review status: criteria provided, single submitter. Criteria: GeneDx Variant Classification Process June 2021. Collection method: clinical testing. Allele origin: germline. Affected: yes.
Comment: Not observed at significant frequency in large population cohorts (gnomAD); In silico analysis supports that this missense variant has a deleterious effect on protein structure/function; This variant is associated with the following publications: (PMID: 34403091, 19197336, 21961810, 36389375, 33179223, 24599119, 33907123, 23185506, 24348793, 33209510, 19040761, 28505178, 36810160, 34416374, 17718863, 23385134, 27771369, 28786104, 30896630, 31035178, 31541171, 30275481, 32447495, 34170635, 24245694, 30576380, 25372295)

Labcorp Genetics (formerly Invitae), Labcorp
Classification: Pathogenic. Last evaluated: 2021-09-24. Review status: criteria provided, single submitter. Criteria: Invitae Variant Classification Sherloc (09022015). Collection method: clinical testing. Allele origin: germline.
Comment: This sequence change replaces threonine with isoleucine at codon 94 of the SLC26A4 protein (p.Thr94Ile). The threonine residue is highly conserved and there is a moderate physicochemical difference between threonine and isoleucine. This variant is not present in population databases (ExAC no frequency). This missense change has been observed in individual(s) with SLC26A4-related conditions (PMID: 17718863, 23385134, 24245694). In at least one individual the data is consistent with the variant being in trans (on the opposite chromosome) from a pathogenic variant. ClinVar contains an entry for this variant (Variation ID: 371034). Algorithms developed to predict the effect of missense changes on protein structure and function are either unavailable or do not agree on the potential impact of this missense change (SIFT: "Deleterious"; PolyPhen-2: "Possibly Damaging"; Align-GVGD: "Class C0"). For these reasons, this variant has been classified as Pathogenic.

Genetic Testing Center for Deafness, Department of Otolaryngology Head & Neck Surgery, Institute of Otolaryngology, Chinese PLA General Hospital
Classification: Likely pathogenic for Autosomal recessive nonsyndromic hearing loss 4. Last evaluated: 2019-02-26. Review status: no assertion criteria provided. Collection method: case-control. Allele origin: inherited. Affected: yes. Observed: 2 variant alleles. Not counted in ClinVar's aggregate classification.

Counsyl
Classification: Pathogenic for Pendred syndrome. Last evaluated: 2016-06-10. Review status: no assertion criteria provided. Collection method: clinical testing. Allele origin: unknown. Not counted in ClinVar's aggregate classification.

Literature cited by the submitters: PubMed 27792752 (cited by Natera, Inc.); PubMed 32447495 (cited by Natera, Inc.); PubMed 23385134 (cited by Natera, Inc. and Labcorp Genetics (formerly Invitae), Labcorp); PubMed 31541171 (cited by Natera, Inc.); PubMed 24599119 (cited by Natera, Inc.); PubMed 17718863 (cited by Labcorp Genetics (formerly Invitae), Labcorp); PubMed 24245694 (cited by Labcorp Genetics (formerly Invitae), Labcorp); PubMed 25372295 (cited by Counsyl).